The following is an entry in ClinVar:

NM_001195248.2(APTX):c.725G>A (p.Ser242Asn)

Gene: APTX (aprataxin; minus strand). Cytogenetic location: 9p21.1.
Variant type: single nucleotide variant.
Coding change: c.725G>A on transcript NM_001195248.2 (MANE Select); coding-DNA position 725, G replaced by A.
Protein change: p.Ser242Asn; replaces serine 242 with asparagine.
Molecular consequence: missense variant. On other transcripts: non-coding transcript variant (9).
Genome position (GRCh38, 1-based): chr9:32,984,676, C>T on the plus strand (G>A on the coding strand, the complement: APTX is on the minus strand). VCF-style: chr9-32984676-C-T. GRCh37 (hg19) VCF-style: chr9-32984674-C-T.
Other names: c.725G>A, p.Ser242Asn (NM_001195249.2, NM_001195251.2, NM_001368995.1 and 6 more transcripts); c.563G>A, p.Ser188Asn (NM_001195250.2, NM_001195254.2, NM_001369000.1 and 1 more transcripts); c.509G>A, p.Ser170Asn (NM_001195252.2); c.461G>A, p.Ser154Asn (NM_001369002.1, NM_001369003.1, NM_001369004.1 and 5 more transcripts); short protein forms S242N, S170N, S188N, S154N.
Identifiers: ClinVar variation 2136752 (VCV002136752.1), dbSNP rs863223909, ClinGen allele CA321109.

ClinVar aggregate classification (germline): Uncertain significance (1 of 4 stars; one submission).

Allele frequency attached by ClinVar (database versions not stated): gnomAD 0.00001; gnomAD exomes 0.00003; TOPMed 0.00003.
gnomAD v4.1: 41 of 1,614,076 alleles (0.0025%); highest among the groups gnomAD compares: Non-Finnish European, 0.0034%; no homozygotes.

Submission:

Labcorp Genetics (formerly Invitae), Labcorp
Classification: Uncertain significance. Last evaluated: 2022-08-23. Review status: criteria provided, single submitter. Criteria: Invitae Variant Classification Sherloc (09022015). Collection method: clinical testing. Allele origin: germline.
Comment: This sequence change replaces serine, which is neutral and polar, with asparagine, which is neutral and polar, at codon 242 of the APTX protein (p.Ser242Asn). This variant is not present in population databases (gnomAD no frequency). This missense change has been observed in individual(s) with clinical features of APTX-related conditions (PMID: 17049295). Algorithms developed to predict the effect of missense changes on protein structure and function (SIFT, PolyPhen-2, Align-GVGD) all suggest that this variant is likely to be tolerated. Experimental studies have shown that this missense change affects APTX function (PMID: 29934293). In summary, the available evidence is currently insufficient to determine the role of this variant in disease. Therefore, it has been classified as a Variant of Uncertain Significance.

Literature cited by the submitters: PubMed 17049295; PubMed 29934293.